The following is an entry in ClinVar:

ClinVar aggregate classification (germline): Conflicting classifications of pathogenicity. Review status: criteria provided, conflicting classifications (1 of 4 stars). 5 submissions from 5 submitters: Uncertain significance (1); Likely benign (1). 3 of the submissions do not count toward it. Last evaluated 2025-03-24.

Conditions:
Left ventricular noncompaction 8 (LVNC8). Identifiers: Orphanet 154, Orphanet 54260, MedGen C3809288, MONDO:0014152, OMIM 615373.

Allele frequency attached by ClinVar (database versions not stated): TOPMed 0.00004.
gnomAD v4.1: 115 of 1,608,628 alleles (0.0071%); highest among the groups gnomAD compares: South Asian, 0.078%; no homozygotes.

Submissions (5):

Labcorp Genetics (formerly Invitae), Labcorp
Classification: Likely benign for Left ventricular noncompaction 8. Last evaluated: 2025-03-24. Review status: criteria provided, single submitter. Criteria: Invitae Variant Classification Sherloc (09022015). Collection method: clinical testing. Allele origin: germline.

GeneDx
Classification: Uncertain significance. Last evaluated: 2020-05-18. Review status: criteria provided, single submitter. Criteria: GeneDx Variant Classification Process June 2021. Collection method: clinical testing. Allele origin: germline. Affected: yes.
Comment: Has not been previously published as pathogenic or benign to our knowledge; Identified in conjunction with additional cardiogenetic variants in individuals referred for cardiomyopathy genetic testing at GeneDx; segregation data is limited or absent at this time; In silico analysis supports that this missense variant does not alter protein structure/function; Reported in ClinVar (ClinVar Variant ID# 697762; Landrum et al., 2016)

Clinical Genetics DNA and cytogenetics Diagnostics Lab, Erasmus MC, Erasmus Medical Center
Classification: Uncertain significance. Review status: no assertion criteria provided. Collection method: clinical testing. Allele origin: germline. Affected: yes. Study: VKGL Data-share Consensus. Not counted in ClinVar's aggregate classification.

Clinical Genetics, Academic Medical Center
Classification: Uncertain significance. Review status: no assertion criteria provided. Collection method: clinical testing. Allele origin: germline. Affected: yes. Study: VKGL Data-share Consensus. Not counted in ClinVar's aggregate classification.

Diagnostic Laboratory, Department of Genetics, University Medical Center Groningen
Classification: Uncertain significance. Review status: no assertion criteria provided. Collection method: clinical testing. Allele origin: germline. Affected: yes. Study: VKGL Data-share Consensus. Not counted in ClinVar's aggregate classification.

NM_022114.4(PRDM16):c.2035G>A (p.Asp679Asn)

Gene: PRDM16 (PR/SET domain 16; plus strand). Cytogenetic location: 1p36.32.
Variant type: single nucleotide variant.
Coding change: c.2035G>A on transcript NM_022114.4 (MANE Select); coding-DNA position 2035, G replaced by A.
Protein change: p.Asp679Asn; replaces aspartic acid 679 with asparagine.
Molecular consequence: missense variant.
Genome position (GRCh38, 1-based): chr1:3,412,232, G>A. VCF-style: chr1-3412232-G-A. GRCh37 (hg19) VCF-style: chr1-3328796-G-A.
Other names: c.2035G>A, p.Asp679Asn (NM_199454.3); short protein forms D679N.
Identifiers: ClinVar variation 697762 (VCV000697762.15), dbSNP rs772689095, ClinGen allele CA544364.